The following is an entry in ClinVar:

ClinVar aggregate classification (germline): Uncertain significance (1 of 4 stars; one submission).

Conditions:
Multiple endocrine neoplasia, type 1 (MEN1). Also called: MEN I; WERMER SYNDROME; Endocrine adenomatosis multiple; MEN 1; MEA I. Identifiers: Orphanet 652, MedGen C0025267, MeSH D018761, MONDO:0007540, OMIM 131100.

Submission:

Labcorp Genetics (formerly Invitae), Labcorp
Classification: Uncertain significance for Multiple endocrine neoplasia, type 1. Last evaluated: 2025-01-22. Review status: criteria provided, single submitter. Criteria: Invitae Variant Classification Sherloc (09022015). Collection method: clinical testing. Allele origin: germline.
Comment: This sequence change falls in intron 7 of the MEN1 gene. It does not directly change the encoded amino acid sequence of the MEN1 protein. It affects a nucleotide within the consensus splice site. This variant is not present in population databases (gnomAD no frequency). This variant has not been reported in the literature in individuals affected with MEN1-related conditions. ClinVar contains an entry for this variant (Variation ID: 1940384). Variants that disrupt the consensus splice site are a relatively common cause of aberrant splicing (PMID: 17576681, 9536098). Algorithms developed to predict the effect of sequence changes on RNA splicing suggest that this variant is not likely to affect RNA splicing. In summary, the available evidence is currently insufficient to determine the role of this variant in disease. Therefore, it has been classified as a Variant of Uncertain Significance.

Literature cited by the submitters: PubMed 17576681; PubMed 9536098.

NM_001370259.2(MEN1):c.1049+6G>A

Gene: MEN1 (menin 1; minus strand). Cytogenetic location: 11q13.1.
Variant type: single nucleotide variant.
Coding change: c.1049+6G>A on transcript NM_001370259.2 (MANE Select); 6 bases into the intron after coding-DNA position 1049, G replaced by A.
Molecular consequence: intron variant.
Genome position (GRCh38, 1-based): chr11:64,806,226, C>T on the plus strand (G>A on the coding strand, the complement: MEN1 is on the minus strand). VCF-style: chr11-64806226-C-T. GRCh37 (hg19) VCF-style: chr11-64573698-C-T.
Other names: c.1064+6G>A (NM_130804.3, NM_130803.3, NM_000244.4 and 3 more transcripts); c.1049+6G>A (NM_130799.3, NM_001370260.2, NM_001370251.2 and 1 more transcripts); c.944+6G>A (NM_001370263.2, NM_001370262.2).
Identifiers: ClinVar variation 1940384 (VCV001940384.5), dbSNP rs2497171550, ClinGen allele CA2580084476.